The following is an entry in ClinVar:

NM_004836.7(EIF2AK3):c.39_109del (p.Leu14fs)

Gene: EIF2AK3 (eukaryotic translation initiation factor 2 alpha kinase 3; minus strand). Cytogenetic location: 2p11.2.
Variant type: Deletion.
Coding change: c.39_109del on transcript NM_004836.7 (MANE Select); coding-DNA positions 39 to 109, 71 bases deleted.
Protein change: p.Leu14fs; shifts the reading frame from leucine 14.
Molecular consequence: frameshift variant.
Genome position (GRCh38, 1-based): chr2:88,627,166-88,627,236, 71 bases deleted. GRCh37 (hg19): chr2:88,926,685-88,926,755.
Other names: short protein forms L14fs.
Identifiers: ClinVar variation 3639426 (VCV003639426.2).

ClinVar aggregate classification (germline): Pathogenic (1 of 4 stars; one submission).

Submission:

Labcorp Genetics (formerly Invitae), Labcorp
Classification: Pathogenic. Last evaluated: 2024-02-07. Review status: criteria provided, single submitter. Criteria: Invitae Variant Classification Sherloc (09022015). Collection method: clinical testing. Allele origin: germline.
Comment: This sequence change creates a premature translational stop signal (p.Leu14Serfs*39) in the EIF2AK3 gene. It is expected to result in an absent or disrupted protein product. Loss-of-function variants in EIF2AK3 are known to be pathogenic (PMID: 11997520). This variant is not present in population databases (gnomAD no frequency). This variant has not been reported in the literature in individuals affected with EIF2AK3-related conditions. For these reasons, this variant has been classified as Pathogenic.

Literature cited by the submitters: PubMed 11997520.